The following is an entry in ClinVar:

ClinVar aggregate classification (germline): Pathogenic (1 of 4 stars; one submission).

Submission:

Labcorp Genetics (formerly Invitae), Labcorp
Classification: Pathogenic. Last evaluated: 2024-03-27. Review status: criteria provided, single submitter. Criteria: Invitae Variant Classification Sherloc (09022015). Collection method: clinical testing. Allele origin: germline.
Comment: This sequence change creates a premature translational stop signal (p.Gln1309*) in the ALPK3 gene. It is expected to result in an absent or disrupted protein product. Loss-of-function variants in ALPK3 are known to be pathogenic (PMID: 21441111, 26846950, 27106955, 34263907). This variant is not present in population databases (gnomAD no frequency). This variant has not been reported in the literature in individuals affected with ALPK3-related conditions. For these reasons, this variant has been classified as Pathogenic.

Literature cited by the submitters: PubMed 21441111; PubMed 26846950; PubMed 27106955; PubMed 34263907.

NM_020778.5(ALPK3):c.3319C>T (p.Gln1107Ter)

Gene: ALPK3 (alpha kinase 3; plus strand). Cytogenetic location: 15q25.3.
Variant type: single nucleotide variant.
Coding change: c.3319C>T on transcript NM_020778.5 (MANE Select); coding-DNA position 3319, C replaced by T.
Protein change: p.Gln1107Ter; replaces glutamine 1107 with a stop codon.
Molecular consequence: nonsense.
Genome position (GRCh38, 1-based): chr15:84,858,057, C>T. VCF-style: chr15-84858057-C-T. GRCh37 (hg19) VCF-style: chr15-85401288-C-T.
Other names: short protein forms Q1107*.
Identifiers: ClinVar variation 3675438 (VCV003675438.2).